The following is an entry in ClinVar:

NM_019842.4(KCNQ5):c.2778G>C (p.Leu926Phe)

Gene: KCNQ5 (potassium voltage-gated channel subfamily Q member 5; plus strand). Cytogenetic location: 6q13.
Variant type: single nucleotide variant.
Coding change: c.2778G>C on transcript NM_019842.4 (MANE Select); coding-DNA position 2778, G replaced by C.
Protein change: p.Leu926Phe; replaces leucine 926 with phenylalanine.
Molecular consequence: missense variant.
Genome position (GRCh38, 1-based): chr6:73,195,393, G>C. VCF-style: chr6-73195393-G-C. GRCh37 (hg19) VCF-style: chr6-73905116-G-C.
Other names: c.2751G>C, p.Leu917Phe (NM_001160130.2); c.2808G>C, p.Leu936Phe (NM_001160132.2); c.2835G>C, p.Leu945Phe (NM_001160133.2); c.2448G>C, p.Leu816Phe (NM_001160134.2); short protein forms L926F, L936F, L945F, L816F, L917F.
Identifiers: ClinVar variation 3711992 (VCV003711992.2).

ClinVar aggregate classification (germline): Uncertain significance (1 of 4 stars; one submission).

Submission:

Labcorp Genetics (formerly Invitae), Labcorp
Classification: Uncertain significance. Last evaluated: 2024-08-11. Review status: criteria provided, single submitter. Criteria: Invitae Variant Classification Sherloc (09022015). Collection method: clinical testing. Allele origin: germline.
Comment: This sequence change replaces leucine, which is neutral and non-polar, with phenylalanine, which is neutral and non-polar, at codon 945 of the KCNQ5 protein (p.Leu945Phe). This variant is not present in population databases (gnomAD no frequency). This variant has not been reported in the literature in individuals affected with KCNQ5-related conditions. Advanced modeling of protein sequence and biophysical properties (such as structural, functional, and spatial information, amino acid conservation, physicochemical variation, residue mobility, and thermodynamic stability) performed at Invitae indicates that this missense variant is not expected to disrupt KCNQ5 protein function with a negative predictive value of 95%. In summary, the available evidence is currently insufficient to determine the role of this variant in disease. Therefore, it has been classified as a Variant of Uncertain Significance.